The following is an entry in ClinVar:

NM_014290.3(TDRD7):c.189G>C (p.Glu63Asp)

Gene: TDRD7 (tudor domain containing 7; plus strand). Cytogenetic location: 9q22.33.
Variant type: single nucleotide variant.
Coding change: c.189G>C on transcript NM_014290.3 (MANE Select); coding-DNA position 189, G replaced by C.
Protein change: p.Glu63Asp; replaces glutamic acid 63 with aspartic acid.
Molecular consequence: missense variant. On other transcripts: intron variant (1).
Genome position (GRCh38, 1-based): chr9:97,428,654, G>C. VCF-style: chr9-97428654-G-C. GRCh37 (hg19) VCF-style: chr9-100190936-G-C.
Other names: c.-15-2279G>C (NM_001302884.2); short protein forms E63D.
Identifiers: ClinVar variation 539170 (VCV000539170.14), dbSNP rs144477083, ClinGen allele CA5146367.

ClinVar aggregate classification (germline): Uncertain significance. Review status: criteria provided, multiple submitters, no conflicts (2 of 4 stars). 4 submissions from 4 submitters: Uncertain significance (4). Last evaluated 2025-12-22.

Conditions:
Inborn genetic diseases. Identifiers: MedGen C0950123, MeSH D030342.
Cataract 36. Identifiers: MedGen C3151304, MONDO:0013484, OMIM 613887.

Allele frequency attached by ClinVar (database versions not stated): ExAC 0.00012; gnomAD exomes 0.00016 and 0.00021; gnomAD 0.00017 and 0.00046; ESP Exome Variant Server 0.00031; TOPMed 0.00068.
gnomAD v4.1: 376 of 1,613,690 alleles (0.023%); highest among the groups gnomAD compares: Non-Finnish European, 0.023%; 1 homozygote.

Submissions (4):

Ambry Genetics
Classification: Uncertain significance for Inborn genetic diseases. Last evaluated: 2025-12-22. Review status: criteria provided, single submitter. Criteria: Ambry Variant Classification Scheme 2023. Collection method: clinical testing. Allele origin: germline.

Blueprint Genetics
Classification: Uncertain significance. Last evaluated: 2024-09-26. Review status: criteria provided, single submitter. Criteria: ACMG Guidelines, 2015. Collection method: clinical testing. Allele origin: germline.

Labcorp Genetics (formerly Invitae), Labcorp
Classification: Uncertain significance for Cataract 36. Last evaluated: 2022-01-31. Review status: criteria provided, single submitter. Criteria: Invitae Variant Classification Sherloc (09022015). Collection method: clinical testing. Allele origin: germline.
Comment: This sequence change replaces glutamic acid, which is acidic and polar, with aspartic acid, which is acidic and polar, at codon 63 of the TDRD7 protein (p.Glu63Asp). This variant is present in population databases (rs144477083, gnomAD 0.1%). This variant has not been reported in the literature in individuals affected with TDRD7-related conditions. ClinVar contains an entry for this variant (Variation ID: 539170). Algorithms developed to predict the effect of missense changes on protein structure and function output the following: SIFT: "Tolerated"; PolyPhen-2: "Benign"; Align-GVGD: "Class C0". The aspartic acid amino acid residue is found in multiple mammalian species, which suggests that this missense change does not adversely affect protein function. In summary, the available evidence is currently insufficient to determine the role of this variant in disease. Therefore, it has been classified as a Variant of Uncertain Significance.

Illumina Laboratory Services, Illumina
Classification: Uncertain significance for Cataract 36. Last evaluated: 2018-01-12. Review status: criteria provided, single submitter. Criteria: ICSL Variant Classification Criteria 13 December 2019. Collection method: clinical testing. Allele origin: germline.